The following is an entry in ClinVar:

NM_001034853.2(RPGR):c.2909del (p.Gly970fs)

Gene: RPGR (retinitis pigmentosa GTPase regulator; minus strand). Cytogenetic location: Xp11.4.
Variant type: Deletion.
Coding change: c.2909del on transcript NM_001034853.2 (MANE Select); coding-DNA position 2909, one base deleted (G; older notation c.2909delG).
Protein change: p.Gly970fs; shifts the reading frame from glycine 970.
Molecular consequence: frameshift variant. On other transcripts: intron variant (8).
Genome position (GRCh38, 1-based): chrX:38,286,090, C deleted on the plus strand (G on the coding strand, the reverse complement: RPGR is on the minus strand); the first of 2 consecutive C bases (chrX:38,286,090-38,286,091); deleting either gives the same sequence. VCF-style (leftmost placement, unchanged base first): chrX-38286089-TC-T. GRCh37 (hg19) VCF-style: chrX-38145342-TC-T.
Other names: c.1569+4869del (NM_001367249.1, NM_001367250.1); c.1902+1004del (NM_001367245.1); c.1386+4869del (NM_001367251.1); c.1719+1004del (NM_001367246.1); c.1572+4869del (NM_001367247.1); c.1905+1004del (NM_000328.3); c.1602+4869del (NM_001367248.1); short protein forms G970fs.
Identifiers: ClinVar variation 1297118 (VCV001297118.2), dbSNP rs2147193425, ClinGen allele CA2499226685.

ClinVar aggregate classification (germline): Likely pathogenic (1 of 4 stars; one submission).

Conditions:
Retinitis pigmentosa (RP). Identifiers: Orphanet 791, MedGen C0035334, MeSH D012174, MONDO:0019200, OMIM 268000. Inheritance: Autosomal dominant, autosomal recessive and X linked inheritance.

Submission:

Broad Center for Mendelian Genomics, Broad Institute of MIT and Harvard
Classification: Likely pathogenic for Retinitis pigmentosa. Last evaluated: 2021-04-01. Review status: criteria provided, single submitter. Criteria: ACMG Guidelines, 2015. Collection method: curation. Allele origin: germline. Inheritance: X-linked inheritance. Affected: yes.
Comment: Through a review of available evidence we were able to apply the following criteria: PVS1, PM2. Based on this evidence we have classified this variant as Likely Pathogenic. If you have any questions about the classification please reach out to the Pierce Lab.

Literature cited by the submitters: PubMed 34906470.